The following is an entry in ClinVar:

ClinVar aggregate classification (germline): Uncertain significance (1 of 4 stars; one submission).

Conditions:
Inborn genetic diseases. Identifiers: MedGen C0950123, MeSH D030342.

Allele frequency attached by ClinVar (database versions not stated): gnomAD exomes below 0.00001.
gnomAD v4.1: 1 of 1,614,036 alleles (0.000062%); highest among the groups gnomAD compares: Non-Finnish European, 0.000085%; no homozygotes.

Submission:

Ambry Genetics
Classification: Uncertain significance for Inborn genetic diseases. Last evaluated: 2021-07-09. Review status: criteria provided, single submitter. Criteria: Ambry Variant Classification Scheme 2023. Collection method: clinical testing. Allele origin: germline.
Comment: The p.M2543I variant (also known as c.7629G>A), located in coding exon 45 of the ATR gene, results from a G to A substitution at nucleotide position 7629. The methionine at codon 2543 is replaced by isoleucine, an amino acid with highly similar properties. This amino acid position is conserved. In addition, the in silico prediction for this alteration is inconclusive. Since supporting evidence is limited at this time, the clinical significance of this alteration remains unclear.

NM_001184.4(ATR):c.7629G>A (p.Met2543Ile)

Gene: ATR (ATR checkpoint kinase; minus strand). Cytogenetic location: 3q23.
Variant type: single nucleotide variant.
Coding change: c.7629G>A on transcript NM_001184.4 (MANE Select); coding-DNA position 7629, G replaced by A.
Protein change: p.Met2543Ile; replaces methionine 2543 with isoleucine.
Molecular consequence: missense variant.
Genome position (GRCh38, 1-based): chr3:142,457,630, C>T on the plus strand (G>A on the coding strand, the complement: ATR is on the minus strand). VCF-style: chr3-142457630-C-T. GRCh37 (hg19) VCF-style: chr3-142176472-C-T.
Other names: c.7437G>A, p.Met2479Ile (NM_001354579.2); short protein forms M2479I, M2543I.
Identifiers: ClinVar variation 1759868 (VCV001759868.2), dbSNP rs2473033006, ClinGen allele CA354794743.